The following is an entry in ClinVar:

GRCh37/hg19 5q35.2-35.3(chr5:174397487-180686444)x1

Genes: ADAMTS2 (ADAM metallopeptidase with thrombospondin type 1 motif 2; minus strand), ARL10 (ARF like GTPase 10; plus strand), B4GALT7 (beta-1,4-galactosyltransferase 7; plus strand), BTNL3 (butyrophilin like 3; plus strand), BTNL8 (butyrophilin like 8; plus strand) and 89 more. Cytogenetic location: 5q35.2-35.3.
Variant type: copy number loss.
Change: copy number 1 (one copy instead of two) of chr5:174,397,487-180,686,444 (6.29 Mb, GRCh37 coordinates, 1-based), cytogenetic band 5q35.2-35.3.
Identifiers: ClinVar variation 187821 (VCV000187821.4).

ClinVar aggregate classification (germline): Pathogenic (1 of 4 stars; one submission).

Submission:

Cytogenetics Laboratory, University of Washington
Classification: Pathogenic. Last evaluated: 2014-01-17. Review status: criteria provided, single submitter. Criteria: UW Cytogenetics and Genomics Laboratory Policy on CNV Interpretation (5/6/2015). Collection method: clinical testing. Allele origin: unknown. Affected: yes. Observed: 1 variant allele.